The following is an entry in ClinVar:

NM_001199107.2(TBC1D24):c.87C>T (p.Cys29=)

Gene: TBC1D24 (TBC1 domain family member 24; plus strand). Cytogenetic location: 16p13.3.
Variant type: single nucleotide variant.
Coding change: c.87C>T on transcript NM_001199107.2 (MANE Select); coding-DNA position 87, C replaced by T.
Protein change: p.Cys29=; no amino-acid change (cysteine 29 retained).
Molecular consequence: synonymous variant.
Genome position (GRCh38, 1-based): chr16:2,496,235, C>T. VCF-style: chr16-2496235-C-T. GRCh37 (hg19) VCF-style: chr16-2546236-C-T.
Other names: c.87C>T, p.Cys29= (NM_020705.3).
Identifiers: ClinVar variation 1665888 (VCV001665888.12), dbSNP rs768933496, ClinGen allele CA7843919.

ClinVar aggregate classification (germline): Likely benign. Review status: criteria provided, multiple submitters, no conflicts (2 of 4 stars). 2 submissions from 2 submitters: Likely benign (2). Last evaluated 2026-01-01.

Conditions:
Developmental and epileptic encephalopathy, 1 (DEE1). Also called: X-linked infantile spasms; West's syndrome; Tonic spasms with clustering, arrest of psychomotor development and hypsarrhythmia on EEG; X-Linked Infantile Spasm Syndrome; INFANTILE SPASM SYNDROME, X-LINKED 1; Epileptic encephalopathy, early infantile, 1. Identifiers: MedGen C3463992, MONDO:0010632, OMIM 308350. Disease mechanism: loss of function.
Autosomal dominant nonsyndromic hearing loss 65. Also called: Deafness, autosomal dominant 65; TBC1D24-Related Autosomal Dominant Nonsyndromic Hearing Loss (DFNA). Identifiers: Orphanet 90635, MedGen C3892048, MONDO:0014470, OMIM 616044.

Allele frequency attached by ClinVar (database versions not stated): gnomAD exomes below 0.00001 and 0.00002; ExAC 0.00003.
gnomAD v4.1: 6 of 1,613,958 alleles (0.00037%); highest among the groups gnomAD compares: Middle Eastern, 0.016%; no homozygotes.

Submissions (2):

CeGaT Center for Human Genetics Tuebingen
Classification: Likely benign. Last evaluated: 2026-01-01. Review status: criteria provided, single submitter. Criteria: CeGaT Center For Human Genetics Tuebingen Variant Classification Criteria Version 2. Collection method: clinical testing. Allele origin: germline. Affected: yes. Observed: 1 variant allele.
Comment: TBC1D24: BP4, BP7

Labcorp Genetics (formerly Invitae), Labcorp
Classification: Likely benign for Developmental and epileptic encephalopathy, 1; Autosomal dominant nonsyndromic hearing loss 65. Last evaluated: 2022-07-19. Review status: criteria provided, single submitter. Criteria: Invitae Variant Classification Sherloc (09022015). Collection method: clinical testing. Allele origin: germline.